The following is an entry in ClinVar:

NM_001256864.2(DNAJC6):c.115C>G (p.Gln39Glu)

Gene: DNAJC6 (DnaJ heat shock protein family (Hsp40) member C6; plus strand). Cytogenetic location: 1p31.3.
Variant type: single nucleotide variant.
Coding change: c.115C>G on transcript NM_001256864.2 (MANE Select); coding-DNA position 115, C replaced by G.
Protein change: p.Gln39Glu; replaces glutamine 39 with glutamic acid.
Molecular consequence: missense variant. On other transcripts: intron variant (2).
Genome position (GRCh38, 1-based): chr1:65,309,860, C>G. VCF-style: chr1-65309860-C-G. GRCh37 (hg19) VCF-style: chr1-65775543-C-G.
Other names: p.Gln39Glu; c.-130-35751C>G (NM_001256865.2); c.22+44928C>G (NM_014787.4); short protein forms Q39E.
Identifiers: ClinVar variation 4541228 (VCV004541228.1).

ClinVar aggregate classification (germline): Uncertain significance (1 of 4 stars; one submission).

gnomAD v4.1: 27 of 1,548,072 alleles (0.0017%); highest among the groups gnomAD compares: Non-Finnish European, 0.0022%; no homozygotes.

Submission:

Mayo Clinic Laboratories, Mayo Clinic
Classification: Uncertain significance. Last evaluated: 2025-08-14. Review status: criteria provided, single submitter. Criteria: ACMG Guidelines, 2015. Collection method: clinical testing. Allele origin: germline. Observed: 1 variant allele.
Comment: BP4, PM2_supporting